The following is an entry in ClinVar:

ClinVar aggregate classification (germline): Uncertain significance. Review status: criteria provided, multiple submitters, no conflicts (2 of 4 stars). 2 submissions from 2 submitters: Uncertain significance (2). Last evaluated 2025-12-23.

Conditions:
Autosomal dominant Parkinson disease 8. Also called: Parkinson disease 8, susceptibility to; LRRK2-Related Parkinson Disease; Parkinson disease 8. Identifiers: Orphanet 411602, MedGen C1846862, MONDO:0011764, OMIM 607060.
Inborn genetic diseases. Identifiers: MedGen C0950123, MeSH D030342.

Allele frequency attached by ClinVar (database versions not stated): gnomAD exomes below 0.00001.
gnomAD v4.1: 4 of 1,613,956 alleles (0.00025%); highest among the groups gnomAD compares: East Asian, 0.0022%; no homozygotes.

Submissions (2):

Labcorp Genetics (formerly Invitae), Labcorp
Classification: Uncertain significance for Autosomal dominant Parkinson disease 8. Last evaluated: 2025-12-23. Review status: criteria provided, single submitter. Criteria: Invitae Variant Classification Sherloc (09022015). Collection method: clinical testing. Allele origin: germline.
Comment: This sequence change replaces threonine, which is neutral and polar, with isoleucine, which is neutral and non-polar, at codon 1349 of the LRRK2 protein (p.Thr1349Ile). This variant is not present in population databases (gnomAD no frequency). This variant has not been reported in the literature in individuals affected with LRRK2-related conditions. ClinVar contains an entry for this variant (Variation ID: 1439705). Invitae Evidence Modeling of protein sequence and biophysical properties (such as structural, functional, and spatial information, amino acid conservation, physicochemical variation, residue mobility, and thermodynamic stability) has been performed for this missense variant. However, the output from this modeling did not meet the statistical confidence thresholds required to predict the impact of this variant on LRRK2 protein function. In summary, the available evidence is currently insufficient to determine the role of this variant in disease. Therefore, it has been classified as a Variant of Uncertain Significance.

Ambry Genetics
Classification: Uncertain significance for Inborn genetic diseases. Last evaluated: 2022-07-11. Review status: criteria provided, single submitter. Criteria: Ambry Variant Classification Scheme 2023. Collection method: clinical testing. Allele origin: germline.
Comment: The p.T1349I variant (also known as c.4046C>T), located in coding exon 29 of the LRRK2 gene, results from a C to T substitution at nucleotide position 4046. The threonine at codon 1349 is replaced by isoleucine, an amino acid with similar properties. This amino acid position is conserved. In addition, the in silico prediction for this alteration is inconclusive. Since supporting evidence is limited at this time, the clinical significance of this alteration remains unclear.

NM_198578.4(LRRK2):c.4046C>T (p.Thr1349Ile)

Gene: LRRK2 (leucine rich repeat kinase 2; plus strand). Cytogenetic location: 12q12.
Variant type: single nucleotide variant.
Coding change: c.4046C>T on transcript NM_198578.4 (MANE Select); coding-DNA position 4046, C replaced by T.
Protein change: p.Thr1349Ile; replaces threonine 1349 with isoleucine.
Molecular consequence: missense variant.
Genome position (GRCh38, 1-based): chr12:40,308,553, C>T. VCF-style: chr12-40308553-C-T. GRCh37 (hg19) VCF-style: chr12-40702355-C-T.
Other names: short protein forms T1349I.
Identifiers: ClinVar variation 1439705 (VCV001439705.8), dbSNP rs1042592521, ClinGen allele CA235353865.